The following is an entry in ClinVar:

ClinVar aggregate classification (germline): Pathogenic. Review status: criteria provided, single submitter (1 of 4 stars). 2 submissions from 2 submitters: Pathogenic (1). 1 of the submissions does not count toward it. Last evaluated 2018-07-25.

Conditions:
MYBPC3-related disorder. Also called: MYBPC3-related disorders; MYBPC3-related condition; MYBPC3-related disease.
Hypertrophic cardiomyopathy. Also called: HYPERTROPHIC MYOCARDIOPATHY. Identifiers: Orphanet 217569, MedGen C0007194, MeSH D002312, MONDO:0005045, HP:0001639.

Submissions (2):

Blueprint Genetics
Classification: Pathogenic for MYBPC3-related disorders. Last evaluated: 2018-07-25. Review status: criteria provided, single submitter. Criteria: ACMG Guidelines, 2015. Collection method: clinical testing. Allele origin: germline. Affected: yes. Observed: 1 variant allele.

Laboratory for Molecular Medicine, Mass General Brigham Personalized Medicine
Classification: Pathogenic for Hypertrophic cardiomyopathy. Last evaluated: 2013-03-04. Review status: no assertion criteria provided. Collection method: clinical testing. Allele origin: germline. Inheritance: Autosomal dominant inheritance. Observed: 2 variant alleles. Not counted in ClinVar's aggregate classification.
Comment: proposed classification - variant undergoing re-assessment, contact laboratory

Literature cited by the submitters: PubMed 11499719 (cited by Laboratory for Molecular Medicine, Mass General Brigham Personalized Medicine).

NM_000256.3(MYBPC3):c.2737+1G>C

Gene: MYBPC3 (myosin binding protein C3; minus strand). Cytogenetic location: 11p11.2.
Variant type: single nucleotide variant.
Coding change: c.2737+1G>C on transcript NM_000256.3 (MANE Select); the canonical splice donor site of the intron after coding-DNA position 2737, G replaced by C.
Molecular consequence: splice donor variant.
Genome position (GRCh38, 1-based): chr11:47,335,876, C>G on the plus strand (G>C on the coding strand, the complement: MYBPC3 is on the minus strand). VCF-style: chr11-47335876-C-G. GRCh37 (hg19) VCF-style: chr11-47357427-C-G.
Identifiers: ClinVar variation 177766 (VCV000177766.6), dbSNP rs727504314, ClinGen allele CA012897.